The following is an entry in ClinVar:

NM_004304.5(ALK):c.1909A>C (p.Thr637Pro)

Gene: ALK (ALK receptor tyrosine kinase; minus strand). Cytogenetic location: 2p23.2.
Variant type: single nucleotide variant.
Coding change: c.1909A>C on transcript NM_004304.5 (MANE Select); coding-DNA position 1909, A replaced by C.
Protein change: p.Thr637Pro; replaces threonine 637 with proline.
Molecular consequence: missense variant.
Genome position (GRCh38, 1-based): chr2:29,275,405, T>G on the plus strand (A>C on the coding strand, the complement: ALK is on the minus strand). VCF-style: chr2-29275405-T-G. GRCh37 (hg19) VCF-style: chr2-29498271-T-G.
Other names: short protein forms T637P.
Identifiers: ClinVar variation 4040236 (VCV004040236.1).

ClinVar aggregate classification (germline): Uncertain significance (1 of 4 stars; one submission).

Conditions:
Hereditary cancer-predisposing syndrome. Also called: Neoplastic Syndromes, Hereditary; Tumor predisposition; Hereditary neoplastic syndrome; Hereditary Cancer Syndrome. Identifiers: Orphanet 140162, MedGen C0027672, MeSH D009386, MONDO:0015356.

Submission:

Ambry Genetics
Classification: Uncertain significance for Hereditary cancer-predisposing syndrome. Last evaluated: 2025-03-15. Review status: criteria provided, single submitter. Criteria: Ambry Variant Classification Scheme 2023. Collection method: clinical testing. Allele origin: germline.
Comment: The p.T637P variant (also known as c.1909A>C), located in coding exon 10 of the ALK gene, results from an A to C substitution at nucleotide position 1909. The threonine at codon 637 is replaced by proline, an amino acid with highly similar properties. This amino acid position is conserved. In addition, this alteration is predicted to be deleterious by in silico analysis. Based on the available evidence, the clinical significance of this variant remains unclear.